The following is an entry in ClinVar:

ClinVar aggregate classification (germline): Benign (1 of 4 stars; one submission).

Conditions:
Familial colorectal cancer type X. Identifiers: Orphanet 440437, MedGen C3896578, MONDO:0018604.

gnomAD v4.1: 3 of 1,551,586 alleles (0.00019%); highest among the groups gnomAD compares: Non-Finnish European, 0.000087%; no homozygotes.

Submission:

Myriad Genetics, Inc.
Classification: Benign for Familial colorectal cancer type X. Last evaluated: 2026-08-05. Review status: criteria provided, single submitter. Criteria: Myriad Autosomal Dominant, Autosomal Recessive and X-Linked Classification Criteria (2023). Collection method: clinical testing. Allele origin: unknown.
Comment: This variant is considered benign. This variant occurs in the non-coding 3' untranslated region of the gene, and is not expected to impact protein function.

NM_001146227.3(RPS20):c.*5A>G

Gene: RPS20 (ribosomal protein S20; minus strand). Cytogenetic location: 8q12.1.
Variant type: single nucleotide variant.
Coding change: c.*5A>G on transcript NM_001146227.3; 5 bases downstream of the stop codon, A replaced by G.
Molecular consequence: 3 prime UTR variant.
Genome position (GRCh38, 1-based): chr8:56,069,733, T>C on the plus strand (A>G on the coding strand, the complement: RPS20 is on the minus strand). VCF-style: chr8-56069733-T-C. GRCh37 (hg19) VCF-style: chr8-56982292-T-C.
Identifiers: ClinVar variation 5042108 (VCV005042108.1).